The following is an entry in ClinVar:

NM_000170.3(GLDC):c.931G>A (p.Asp311Asn)

Gene: GLDC (glycine decarboxylase; minus strand). Cytogenetic location: 9p24.1.
Variant type: single nucleotide variant.
Coding change: c.931G>A on transcript NM_000170.3 (MANE Select); coding-DNA position 931, G replaced by A.
Protein change: p.Asp311Asn; replaces aspartic acid 311 with asparagine.
Molecular consequence: missense variant.
Genome position (GRCh38, 1-based): chr9:6,604,715, C>T on the plus strand (G>A on the coding strand, the complement: GLDC is on the minus strand). VCF-style: chr9-6604715-C-T. GRCh37 (hg19) VCF-style: chr9-6604715-C-T.
Other names: short protein forms D311N.
Identifiers: ClinVar variation 2148748 (VCV002148748.3), dbSNP rs1818694638, ClinGen allele CA372895794.

ClinVar aggregate classification (germline): Uncertain significance (1 of 4 stars; one submission).

Conditions:
Glycine encephalopathy. Also called: Non-ketotic hyperglycinemia; Nonketotic hyperglycinemia. Identifiers: Orphanet 407, MedGen C0751748, MONDO:0011612, HP:0008288.

Allele frequency attached by ClinVar (database versions not stated): gnomAD exomes below 0.00001.
gnomAD v4.1: 7 of 1,614,156 alleles (0.00043%); highest among the groups gnomAD compares: Non-Finnish European, 0.00059%; no homozygotes.

Submission:

Labcorp Genetics (formerly Invitae), Labcorp
Classification: Uncertain significance for Glycine encephalopathy. Last evaluated: 2022-03-12. Review status: criteria provided, single submitter. Criteria: Invitae Variant Classification Sherloc (09022015). Collection method: clinical testing. Allele origin: germline.
Comment: In summary, the available evidence is currently insufficient to determine the role of this variant in disease. Therefore, it has been classified as a Variant of Uncertain Significance. Advanced modeling of protein sequence and biophysical properties (such as structural, functional, and spatial information, amino acid conservation, physicochemical variation, residue mobility, and thermodynamic stability) performed at Invitae indicates that this missense variant is expected to disrupt GLDC protein function. This variant has not been reported in the literature in individuals affected with GLDC-related conditions. This variant is not present in population databases (gnomAD no frequency). This sequence change replaces aspartic acid, which is acidic and polar, with asparagine, which is neutral and polar, at codon 311 of the GLDC protein (p.Asp311Asn).